The following is an entry in ClinVar:

ClinVar aggregate classification (germline): Pathogenic. Review status: criteria provided, single submitter (1 of 4 stars). 2 submissions from 2 submitters: Pathogenic (1). 1 of the submissions does not count toward it. Last evaluated 2019-05-16.

Conditions:
Hereditary insensitivity to pain with anhidrosis (CIPA). Also called: HSAN Type IV; INSENSITIVITY TO PAIN, CONGENITAL, WITH ANHIDROSIS; hereditary sensory and autonomic neuropathy type 4; NTRK1 Congenital Insensitivity to Pain with Anhidrosis; FAMILIAL DYSAUTONOMIA, TYPE II; NEUROPATHY, CONGENITAL SENSORY, WITH ANHIDROSIS. Identifiers: Orphanet 642, MedGen C0020074, MONDO:0009746, OMIM 256800.

Submissions (2):

Labcorp Genetics (formerly Invitae), Labcorp
Classification: Pathogenic for Hereditary insensitivity to pain with anhidrosis. Last evaluated: 2019-05-16. Review status: criteria provided, single submitter. Criteria: Invitae Variant Classification Sherloc (09022015). Collection method: clinical testing. Allele origin: germline.
Comment: For these reasons, this variant has been classified as Pathogenic. This variant has been reported to affect NTRK1 protein function (PMID: 12406349). This variant has been observed to segregate with hereditary sensory and autonomic neuropathy in a family (PMID: 0233776). ClinVar contains an entry for this variant (Variation ID: 12312). This variant is not present in population databases (ExAC no frequency). This sequence change replaces methionine with valine at codon 581 of the NTRK1 protein (p.Met581Val). The methionine residue is highly conserved and there is a small physicochemical difference between methionine and valine.

OMIM
Classification: Pathogenic for INSENSITIVITY TO PAIN, CONGENITAL, WITH ANHIDROSIS. Last evaluated: 2002-10-01. Review status: no assertion criteria provided. Collection method: literature only. Allele origin: germline. Not counted in ClinVar's aggregate classification.

Literature cited by the submitters: PubMed 12406349 (cited by Labcorp Genetics (formerly Invitae), Labcorp and OMIM); PubMed 0233776 (cited by Labcorp Genetics (formerly Invitae), Labcorp); PubMed 10233776 (cited by OMIM).

NM_002529.4(NTRK1):c.1759A>G (p.Met587Val)

Gene: NTRK1 (neurotrophic receptor tyrosine kinase 1; plus strand). Cytogenetic location: 1q23.1.
Variant type: single nucleotide variant.
Coding change: c.1759A>G on transcript NM_002529.4 (MANE Select); coding-DNA position 1759, A replaced by G.
Protein change: p.Met587Val; replaces methionine 587 with valine.
Molecular consequence: missense variant.
Genome position (GRCh38, 1-based): chr1:156,876,526, A>G. VCF-style: chr1-156876526-A-G. GRCh37 (hg19) VCF-style: chr1-156846318-A-G.
Other names: c.1651A>G, p.Met551Val (NM_001007792.1); c.1741A>G, p.Met581Val (NM_001012331.2); short protein forms M581V, M551V, M587V.
Identifiers: ClinVar variation 12312 (VCV000012312.13), dbSNP rs121964870, ClinGen allele CA256300.